The following is an entry in ClinVar:

ClinVar aggregate classification (germline): Uncertain significance (1 of 4 stars; one submission).

Submission:

Ambry Genetics
Classification: Uncertain significance. Last evaluated: 2020-10-20. Review status: criteria provided, single submitter. Criteria: Ambry Variant Classification Scheme 2023. Collection method: clinical testing. Allele origin: germline.
Comment: The p.E604K variant (also known as c.1810G>A), located in coding exon 13 of the FBXO38 gene, results from a G to A substitution at nucleotide position 1810. The glutamic acid at codon 604 is replaced by lysine, an amino acid with similar properties. This amino acid position is highly conserved in available vertebrate species. In addition, the in silico prediction for this alteration is inconclusive. Since supporting evidence is limited at this time, the clinical significance of this alteration remains unclear.

NM_205836.3(FBXO38):c.1810G>A (p.Glu604Lys)

Gene: FBXO38 (F-box protein 38; plus strand). Cytogenetic location: 5q32.
Variant type: single nucleotide variant.
Coding change: c.1810G>A on transcript NM_205836.3 (MANE Select); coding-DNA position 1810, G replaced by A.
Protein change: p.Glu604Lys; replaces glutamic acid 604 with lysine.
Molecular consequence: missense variant.
Genome position (GRCh38, 1-based): chr5:148,425,593, G>A. VCF-style: chr5-148425593-G-A. GRCh37 (hg19) VCF-style: chr5-147805156-G-A.
Other names: c.1810G>A, p.Glu604Lys (NM_001271723.2, NM_030793.5); short protein forms E604K.
Identifiers: ClinVar variation 1780579 (VCV001780579.2), dbSNP rs2531802336, ClinGen allele CA361655535.
Genomic context (GRCh38, chr5:148,425,593, plus strand): 5'-CTTCAGCGTGTAGTAAAACCAACCTCAATTACTGTTCATGATTCAGAGAGTGATGATGAA[G>A]AAGATAGTCTAGAACTCCAAGAAGTCTGGATTCCTAAGAACGGTACTCGGCGTTACTCTG-3'
Protein context (NP_995308.1, residues 594-614): TVHDSESDDE[Glu604Lys]DSLELQEVWI